The following is an entry in ClinVar:

ClinVar aggregate classification (germline): Uncertain significance (1 of 4 stars; one submission).

Submission:

Labcorp Genetics (formerly Invitae), Labcorp
Classification: Uncertain significance. Last evaluated: 2026-01-19. Review status: criteria provided, single submitter. Criteria: Invitae Variant Classification Sherloc (09022015). Collection method: clinical testing. Allele origin: germline.
Comment: This variant, c.266_268dup, results in the insertion of 1 amino acid(s) of the ATRN protein (p.Ala89dup), but otherwise preserves the integrity of the reading frame. This variant is present in population databases (no rsID available, gnomAD 0.008%). This variant has not been reported in the literature in individuals affected with ATRN-related conditions. Experimental studies and prediction algorithms are not available or were not evaluated, and the functional significance of this variant is currently unknown. In summary, the available evidence is currently insufficient to determine the role of this variant in disease. Therefore, it has been classified as a Variant of Uncertain Significance.

NM_139321.3(ATRN):c.251CGG[7] (p.Ala89_Val90insAla)

Genes: ATRN (attractin; plus strand), LOC130065331 (ATAC-STARR-seq lymphoblastoid silent region 12621; plus strand). Cytogenetic location: 20p13.
Variant type: Microsatellite.
Coding change: c.251CGG[7] on transcript NM_139321.3 (MANE Select); seven copies in a row of the 3-base unit CGG starting at c.251; the reference has six copies in a row; one copy, 3 bases duplicated.
Protein change: p.Ala89_Val90insAla.
Molecular consequence: inframe insertion. On other transcripts: intron variant (1).
Genome position (GRCh38, 1-based): chr20:3,471,373-3,471,375, CGG duplicated; duplicating any 3 consecutive bases within chr20:3,471,357-3,471,375 gives the same sequence; the position shown is the placement nearest the transcript's 3' end. VCF-style (leftmost placement, unchanged base first): chr20-3471356-C-CGCG. GRCh37 (hg19) VCF-style: chr20-3452003-C-CGCG.
Other names: c.251CGG[7], p.Ala89_Val90insAla (NM_001323332.2, NM_139322.4); c.62+223GCG[7] (NM_001207047.3).
Identifiers: ClinVar variation 2056081 (VCV002056081.4), dbSNP rs761060489, ClinGen allele CA634332483.